The following is an entry in ClinVar:

ClinVar aggregate classification (germline): Conflicting classifications of pathogenicity. Review status: criteria provided, conflicting classifications (1 of 4 stars). 3 submissions from 3 submitters: Uncertain significance (2); Likely benign (1). Last evaluated 2023-03-23.

Conditions:
Hereditary cancer-predisposing syndrome. Also called: Neoplastic Syndromes, Hereditary; Tumor predisposition; Hereditary neoplastic syndrome; Hereditary Cancer Syndrome. Identifiers: Orphanet 140162, MedGen C0027672, MeSH D009386, MONDO:0015356.

Allele frequency attached by ClinVar (database versions not stated): gnomAD exomes below 0.00001.
gnomAD v4.1: 1 of 1,613,620 alleles (0.000062%); highest among the groups gnomAD compares: Non-Finnish European, 0.000085%; no homozygotes.

Submissions (3):

University of Washington Department of Laboratory Medicine, University of Washington
Classification: Likely benign for Hereditary cancer-predisposing syndrome. Last evaluated: 2023-03-23. Review status: criteria provided, single submitter. Criteria: Dines et al. (Genet Med. 2020). Collection method: curation. Allele origin: germline.
Comment: Missense variant in a coldspot region where missense variants are very unlikely to be pathogenic (PMID:31911673).

BRCA1 coldspot (exon 11 using historical exon numbering). Reclassification based on statistical prior probability

Ambry Genetics
Classification: Uncertain significance for Hereditary cancer-predisposing syndrome. Last evaluated: 2021-05-27. Review status: criteria provided, single submitter. Criteria: Ambry Variant Classification Scheme 2023. Collection method: clinical testing. Allele origin: germline.
Comment: The p.L791V variant (also known as c.2371C>G), located in coding exon 9 of the BRCA1 gene, results from a C to G substitution at nucleotide position 2371. The leucine at codon 791 is replaced by valine, an amino acid with highly similar properties. This amino acid position is poorly conserved in available vertebrate species. In addition, this alteration is predicted to be tolerated by in silico analysis. Since supporting evidence is limited at this time, the clinical significance of this alteration remains unclear.

Color Diagnostics, LLC DBA Color Health
Classification: Uncertain significance for Hereditary cancer-predisposing syndrome. Last evaluated: 2019-04-23. Review status: criteria provided, single submitter. Criteria: ACMG Guidelines, 2015. Collection method: clinical testing. Allele origin: germline.

NM_007294.4(BRCA1):c.2371C>G (p.Leu791Val)

Gene: BRCA1 (BRCA1 DNA repair associated; minus strand). Cytogenetic location: 17q21.31.
Variant type: single nucleotide variant.
Coding change: c.2371C>G on transcript NM_007294.4 (MANE Select); coding-DNA position 2371, C replaced by G.
Protein change: p.Leu791Val; replaces leucine 791 with valine.
Molecular consequence: missense variant. On other transcripts: intron variant (137).
Genome position (GRCh38, 1-based): chr17:43,093,160, G>C on the plus strand (C>G on the coding strand, the complement: BRCA1 is on the minus strand). VCF-style: chr17-43093160-G-C. GRCh37 (hg19) VCF-style: chr17-41245177-G-C.
Other names: c.2158C>G, p.Leu720Val (NM_001407571.1, NM_001407853.1, NM_001407894.1 and 9 more transcripts); c.2371C>G, p.Leu791Val (NM_001407581.1, NM_001407582.1, NM_001407583.1 and 30 more transcripts); c.2368C>G, p.Leu790Val (NM_001407587.1, NM_001407590.1, NM_001407591.1 and 22 more transcripts); c.2362C>G, p.Leu788Val (NM_001407646.1, NM_001407647.1); c.2248C>G, p.Leu750Val (NM_001407648.1, NM_001407664.1, NM_001407665.1 and 19 more transcripts); c.2245C>G, p.Leu749Val (NM_001407649.1, NM_001407670.1, NM_001407671.1 and 11 more transcripts); c.2293C>G, p.Leu765Val (NM_001407653.1, NM_001407654.1, NM_001407655.1 and 4 more transcripts); c.2290C>G, p.Leu764Val (NM_001407659.1, NM_001407660.1, NM_001407661.1 and 1 more transcripts); and 41 more; short protein forms L791V, L744V, L680V, L703V, L743V, L749V, L765V, L495V.
Identifiers: ClinVar variation 629997 (VCV000629997.8), dbSNP rs1567795916, ClinGen allele CA10597266.